The following is an entry in ClinVar:

NM_001287.6(CLCN7):c.1796A>T (p.Glu599Val)

Gene: CLCN7 (chloride voltage-gated channel 7; minus strand). Cytogenetic location: 16p13.3.
Variant type: single nucleotide variant.
Coding change: c.1796A>T on transcript NM_001287.6 (MANE Select); coding-DNA position 1796, A replaced by T.
Protein change: p.Glu599Val; replaces glutamic acid 599 with valine.
Molecular consequence: missense variant.
Genome position (GRCh38, 1-based): chr16:1,448,967, T>A on the plus strand (A>T on the coding strand, the complement: CLCN7 is on the minus strand). VCF-style: chr16-1448967-T-A. GRCh37 (hg19) VCF-style: chr16-1498968-T-A.
Other names: c.1724A>T, p.Glu575Val (NM_001114331.3); short protein forms E575V, E599V.
Identifiers: ClinVar variation 1351817 (VCV001351817.8), dbSNP rs2142368402, ClinGen allele CA394186493.

ClinVar aggregate classification (germline): Uncertain significance (1 of 4 stars; one submission).

Submission:

Labcorp Genetics (formerly Invitae), Labcorp
Classification: Uncertain significance. Last evaluated: 2022-07-19. Review status: criteria provided, single submitter. Criteria: Invitae Variant Classification Sherloc (09022015). Collection method: clinical testing. Allele origin: germline.
Comment: This sequence change replaces glutamic acid, which is acidic and polar, with valine, which is neutral and non-polar, at codon 599 of the CLCN7 protein (p.Glu599Val). In summary, the available evidence is currently insufficient to determine the role of this variant in disease. Therefore, it has been classified as a Variant of Uncertain Significance. Algorithms developed to predict the effect of sequence changes on RNA splicing suggest that this variant may create or strengthen a splice site. Algorithms developed to predict the effect of missense changes on protein structure and function are either unavailable or do not agree on the potential impact of this missense change (SIFT: "Deleterious"; PolyPhen-2: "Possibly Damaging"; Align-GVGD: "Class C0"). ClinVar contains an entry for this variant (Variation ID: 1351817). This variant has not been reported in the literature in individuals affected with CLCN7-related conditions. This variant is not present in population databases (gnomAD no frequency).